The following is an entry in ClinVar:

ClinVar aggregate classification (germline): Uncertain significance (1 of 4 stars; one submission).

Conditions:
Brugada syndrome 5 (BRGDA5). Identifiers: Orphanet 130, Orphanet 871, MedGen C2748541, MONDO:0013015, OMIM 612838.

Submission:

Labcorp Genetics (formerly Invitae), Labcorp
Classification: Uncertain significance for Brugada syndrome 5. Last evaluated: 2022-06-18. Review status: criteria provided, single submitter. Criteria: Invitae Variant Classification Sherloc (09022015). Collection method: clinical testing. Allele origin: germline.
Comment: In summary, the available evidence is currently insufficient to determine the role of this variant in disease. Therefore, it has been classified as a Variant of Uncertain Significance. Variants that disrupt the consensus splice site are a relatively common cause of aberrant splicing (PMID: 17576681, 9536098). Experimental studies and prediction algorithms are not available or were not evaluated, and the effect of this variant on mRNA splicing is currently unknown. This variant has not been reported in the literature in individuals affected with SCN1B-related conditions. This variant is not present in population databases (gnomAD no frequency). This sequence change falls in intron 4 of the SCN1B gene. It does not directly change the encoded amino acid sequence of the SCN1B protein. It affects a nucleotide within the consensus splice site. The SCN1B gene has multiple clinically relevant transcripts. This variant occurs in alternate transcript NM_001037.5, and corresponds to NM_199037.3:c.*5163G>T in the primary transcript.

Literature cited by the submitters: PubMed 17576681; PubMed 9536098.

NM_001037.5(SCN1B):c.590+3G>T

Gene: SCN1B (sodium voltage-gated channel beta subunit 1; plus strand). Cytogenetic location: 19q13.11.
Variant type: single nucleotide variant.
Coding change: c.590+3G>T on transcript NM_001037.5 (MANE Select); 3 bases into the intron after coding-DNA position 590, G replaced by T.
Molecular consequence: intron variant.
Genome position (GRCh38, 1-based): chr19:35,039,261, G>T. VCF-style: chr19-35039261-G-T. GRCh37 (hg19) VCF-style: chr19-35530165-G-T.
Other names: c.491+3G>T (NM_001321605.2).
Identifiers: ClinVar variation 2007899 (VCV002007899.4), dbSNP rs2514241133, ClinGen allele CA2580096892.
Genomic context (GRCh38, chr19:35,039,261, plus strand): 5'-TGATTTACTGCTACAAGAAGATCGCTGCCGCCACGGAGACTGCTGCACAGGAGAATGCGT[G>T]AGTAGGGTGGCTGGGAGGTGGGAGGGCACCCAGGGCACCGTCACACTTGCCAGAGAGGAA-3'